The following is an entry in ClinVar:

ClinVar aggregate classification (germline): Likely benign (1 of 4 stars; one submission).

Conditions:
CENPE-related disorder. Also called: CENPE-related condition.

gnomAD v4.1: 212 of 1,613,812 alleles (0.013%); highest among the groups gnomAD compares: Non-Finnish European, 0.018%; no homozygotes.

Submission:

PreventionGenetics, part of Exact Sciences
Classification: Likely benign for CENPE-related condition. Last evaluated: 2025-02-03. Review status: criteria provided, single submitter. Criteria: ACMG Guidelines, 2015. Collection method: clinical testing. Allele origin: germline.
Comment: This variant is classified as likely benign based on ACMG/AMP sequence variant interpretation guidelines (Richards et al. 2015 PMID: 25741868, with internal and published modifications).

NM_001813.3(CENPE):c.7884A>G (p.Glu2628=)

Gene: CENPE (centromere protein E; minus strand). Cytogenetic location: 4q24.
Variant type: single nucleotide variant.
Coding change: c.7884A>G on transcript NM_001813.3 (MANE Select); coding-DNA position 7884, A replaced by G.
Protein change: p.Glu2628=; no amino-acid change (glutamic acid 2628 retained).
Molecular consequence: synonymous variant.
Genome position (GRCh38, 1-based): chr4:103,108,930, T>C on the plus strand (A>G on the coding strand, the complement: CENPE is on the minus strand). VCF-style: chr4-103108930-T-C. GRCh37 (hg19) VCF-style: chr4-104030087-T-C.
Other names: c.7521A>G, p.Glu2507= (NM_001286734.2).
Identifiers: ClinVar variation 4979842 (VCV004979842.1).